The following is an entry in ClinVar:

ClinVar aggregate classification (germline): Uncertain significance (1 of 4 stars; one submission).

Conditions:
Inborn genetic diseases. Identifiers: MedGen C0950123, MeSH D030342.

Submission:

Ambry Genetics
Classification: Uncertain significance for Inborn genetic diseases. Last evaluated: 2025-09-14. Review status: criteria provided, single submitter. Criteria: Ambry Variant Classification Scheme 2023. Collection method: clinical testing. Allele origin: germline.
Comment: The p.L515V variant (also known as c.1543C>G), located in coding exon 8 of the MECOM gene, results from a C to G substitution at nucleotide position 1543. The leucine at codon 515 is replaced by valine, an amino acid with highly similar properties. This amino acid position is conserved. In addition, this alteration is predicted to be tolerated by in silico analysis. Based on the available evidence, the clinical significance of this variant remains unclear.

NM_004991.4(MECOM):c.1543C>G (p.Leu515Val)

Gene: MECOM (MDS1 and EVI1 complex locus; minus strand). Cytogenetic location: 3q26.2.
Variant type: single nucleotide variant.
Coding change: c.1543C>G on transcript NM_004991.4 (MANE Select); coding-DNA position 1543, C replaced by G.
Protein change: p.Leu515Val; replaces leucine 515 with valine.
Molecular consequence: missense variant. On other transcripts: intron variant (2).
Genome position (GRCh38, 1-based): chr3:169,116,329, G>C on the plus strand (C>G on the coding strand, the complement: MECOM is on the minus strand). VCF-style: chr3-169116329-G-C. GRCh37 (hg19) VCF-style: chr3-168834117-G-C.
Other names: c.979C>G, p.Leu327Val (NM_005241.4, NM_001366472.2, NM_001105078.4 and 4 more transcripts); c.1133-562C>G (NM_001366473.2); c.569-562C>G (NM_001366474.2); c.1174C>G, p.Leu392Val (NM_001105077.4); c.982C>G, p.Leu328Val (NM_001163999.2, NM_001366467.2, NM_001366468.2 and 1 more transcripts); c.1543C>G, p.Leu515Val (NM_001366466.2); short protein forms L328V, L392V, L515V, L327V.
Identifiers: ClinVar variation 4105928 (VCV004105928.1).